The following is an entry in ClinVar:

NM_001330260.2(SCN8A):c.1672C>T (p.Arg558Cys)

Gene: SCN8A (sodium voltage-gated channel alpha subunit 8; plus strand). Cytogenetic location: 12q13.13.
Variant type: single nucleotide variant.
Coding change: c.1672C>T on transcript NM_001330260.2 (MANE Select); coding-DNA position 1672, C replaced by T.
Protein change: p.Arg558Cys; replaces arginine 558 with cysteine.
Molecular consequence: missense variant.
Genome position (GRCh38, 1-based): chr12:51,721,582, C>T. VCF-style: chr12-51721582-C-T. GRCh37 (hg19) VCF-style: chr12-52115366-C-T.
Other names: c.1672C>T, p.Arg558Cys (NM_001177984.3, NM_001369788.1, NM_014191.4); short protein forms R558C.
Identifiers: ClinVar variation 2435763 (VCV002435763.6), dbSNP rs1942062051, ClinGen allele CA385229334.

ClinVar aggregate classification (germline): Uncertain significance. Review status: criteria provided, multiple submitters, no conflicts (2 of 4 stars). 2 submissions from 2 submitters: Uncertain significance (2). Last evaluated 2023-09-26.

Conditions:
Early-infantile DEE. Also called: Early infantile epileptic encephalopathy with suppression bursts; Early infantile epileptic encephalopathy; Ohtahara syndrome. Identifiers: Orphanet 1934, MedGen C0393706, MONDO:0800491.

Allele frequency attached by ClinVar (database versions not stated): gnomAD exomes below 0.00001.
gnomAD v4.1: 3 of 1,612,440 alleles (0.00019%); highest among the groups gnomAD compares: Non-Finnish European, 0.00025%; no homozygotes.

Submissions (2):

Labcorp Genetics (formerly Invitae), Labcorp
Classification: Uncertain significance for Early-infantile DEE. Last evaluated: 2023-09-26. Review status: criteria provided, single submitter. Criteria: Invitae Variant Classification Sherloc (09022015). Collection method: clinical testing. Allele origin: germline.
Comment: In summary, the available evidence is currently insufficient to determine the role of this variant in disease. Therefore, it has been classified as a Variant of Uncertain Significance. Advanced modeling of protein sequence and biophysical properties (such as structural, functional, and spatial information, amino acid conservation, physicochemical variation, residue mobility, and thermodynamic stability) has been performed at Invitae for this missense variant, however the output from this modeling did not meet the statistical confidence thresholds required to predict the impact of this variant on SCN8A protein function. ClinVar contains an entry for this variant (Variation ID: 2435763). This variant has not been reported in the literature in individuals affected with SCN8A-related conditions. This variant is not present in population databases (gnomAD no frequency). This sequence change replaces arginine, which is basic and polar, with cysteine, which is neutral and slightly polar, at codon 558 of the SCN8A protein (p.Arg558Cys).

Revvity Omics, Revvity
Classification: Uncertain significance. Last evaluated: 2021-06-14. Review status: criteria provided, single submitter. Criteria: ACMG Guidelines, 2015. Collection method: clinical testing. Allele origin: germline.